The following is an entry in ClinVar:

ClinVar aggregate classification (germline): Uncertain significance (1 of 4 stars; one submission).

Conditions:
Autosomal recessive limb-girdle muscular dystrophy type 2J (LGMDR10). Also called: Limb-girdle muscular dystrophy, type 2J; MUSCULAR DYSTROPHY, LIMB-GIRDLE, AUTOSOMAL RECESSIVE 10. Identifiers: Orphanet 140922, MedGen C1837342, MONDO:0012127, OMIM 608807.
Dilated cardiomyopathy 1G (CMD1G). Identifiers: Orphanet 154, MedGen C1858763, MONDO:0011400, OMIM 604145.

gnomAD v4.1: 1 of 1,611,060 alleles (0.000062%); no homozygotes.

Submission:

Labcorp Genetics (formerly Invitae), Labcorp
Classification: Uncertain significance for Dilated cardiomyopathy 1G; Autosomal recessive limb-girdle muscular dystrophy type 2J. Last evaluated: 2024-10-07. Review status: criteria provided, single submitter. Criteria: Invitae Variant Classification Sherloc (09022015). Collection method: clinical testing. Allele origin: germline.
Comment: This sequence change replaces glycine, which is neutral and non-polar, with alanine, which is neutral and non-polar, at codon 35474 of the TTN protein (p.Gly35474Ala). This variant is not present in population databases (gnomAD no frequency). This variant has not been reported in the literature in individuals affected with TTN-related conditions. An algorithm developed to predict the effect of missense changes on protein structure and function outputs the following: PolyPhen-2: "Not Available". The alanine amino acid residue is found in multiple mammalian species, which suggests that this missense change does not adversely affect protein function. This variant is located in the M band of TTN (PMID: 25589632). Non-truncating variants in this region may be relevant for neuromuscular disorders, but have not been definitively shown to cause cardiomyopathy (PMID: 23975875). In summary, the available evidence is currently insufficient to determine the role of this variant in disease. Therefore, it has been classified as a Variant of Uncertain Significance.

Literature cited by the submitters: PubMed 25589632; PubMed 23975875.

NM_001267550.2(TTN):c.106421G>C (p.Gly35474Ala)

Genes: TTN-AS1 (TTN antisense RNA 1; plus strand), TTN (titin; minus strand). Cytogenetic location: 2q31.2.
Variant type: single nucleotide variant.
Coding change: c.106421G>C on transcript NM_001267550.2 (MANE Select); coding-DNA position 106421, G replaced by C.
Protein change: p.Gly35474Ala; replaces glycine 35474 with alanine.
Molecular consequence: missense variant.
Genome position (GRCh38, 1-based): chr2:178,530,070, C>G on the plus strand (G>C on the coding strand, the complement: TTN is on the minus strand). VCF-style: chr2-178530070-C-G. GRCh37 (hg19) VCF-style: chr2-179394797-C-G.
Other names: c.101498G>C, p.Gly33833Ala (NM_001256850.1); c.79226G>C, p.Gly26409Ala (NM_003319.4); c.98717G>C, p.Gly32906Ala (NM_133378.4); c.79601G>C, p.Gly26534Ala (NM_133432.3); c.79802G>C, p.Gly26601Ala (NM_133437.4); short protein forms G26409A, G26534A, G26601A, G32906A, G33833A, G35474A.
Identifiers: ClinVar variation 3750248 (VCV003750248.1).